The following is an entry in ClinVar:

NM_003070.5(SMARCA2):c.2647C>G (p.Pro883Ala)

Gene: SMARCA2 (SWI/SNF related, matrix associated, actin dependent regulator of chromatin, subfamily a, member 2; plus strand). Cytogenetic location: 9p24.3.
Variant type: single nucleotide variant.
Coding change: c.2647C>G on transcript NM_003070.5 (MANE Select); coding-DNA position 2647, C replaced by G.
Protein change: p.Pro883Ala; replaces proline 883 with alanine.
Molecular consequence: missense variant. On other transcripts: intron variant (1).
Genome position (GRCh38, 1-based): chr9:2,086,949, C>G. VCF-style: chr9-2086949-C-G. GRCh37 (hg19) VCF-style: chr9-2086949-C-G.
Other names: c.2647C>G, p.Pro883Ala (NM_001289396.2, NM_139045.4); c.2595+52C>G (NM_001289397.2); short protein forms P883A.
Identifiers: ClinVar variation 1701009 (VCV001701009.2), dbSNP rs2130486548, ClinGen allele CA372785058.

ClinVar aggregate classification (germline): Pathogenic (1 of 4 stars; one submission).

Submission:

GeneDx
Classification: Pathogenic. Last evaluated: 2022-02-11. Review status: criteria provided, single submitter. Criteria: GeneDx Variant Classification Process June 2021. Collection method: clinical testing. Allele origin: germline. Affected: yes.
Comment: Not observed at significant frequency in large population cohorts (gnomAD); In silico analysis supports that this missense variant has a deleterious effect on protein structure/function; This variant is associated with the following publications: (PMID: 33093641, 30459321)